The following is an entry in ClinVar:

ClinVar aggregate classification (germline): Uncertain significance (1 of 4 stars; one submission).

gnomAD v4.1: 2 of 1,601,066 alleles (0.00012%); highest among the groups gnomAD compares: Non-Finnish European, 0.00017%; no homozygotes.

Submission:

GeneDx
Classification: Uncertain significance. Last evaluated: 2025-06-14. Review status: criteria provided, single submitter. Criteria: GeneDx Variant Classification Process June 2021. Collection method: clinical testing. Allele origin: germline. Affected: yes.
Comment: Not observed at significant frequency in large population cohorts (gnomAD); In silico analysis supports that this missense variant has a deleterious effect on protein structure/function; Has not been previously published as pathogenic or benign to our knowledge

NM_000256.3(MYBPC3):c.3311A>G (p.Lys1104Arg)

Gene: MYBPC3 (myosin binding protein C3; minus strand). Cytogenetic location: 11p11.2.
Variant type: single nucleotide variant.
Coding change: c.3311A>G on transcript NM_000256.3 (MANE Select); coding-DNA position 3311, A replaced by G.
Protein change: p.Lys1104Arg; replaces lysine 1104 with arginine.
Molecular consequence: missense variant.
Genome position (GRCh38, 1-based): chr11:47,333,213, T>C on the plus strand (A>G on the coding strand, the complement: MYBPC3 is on the minus strand). VCF-style: chr11-47333213-T-C. GRCh37 (hg19) VCF-style: chr11-47354764-T-C.
Other names: short protein forms K1104R.
Identifiers: ClinVar variation 4537844 (VCV004537844.1).